The following is an entry in ClinVar:

NM_016333.4(SRRM2):c.8222C>T (p.Pro2741Leu)

Gene: SRRM2 (serine/arginine repetitive matrix 2; plus strand). Cytogenetic location: 16p13.3.
Variant type: single nucleotide variant.
Coding change: c.8222C>T on transcript NM_016333.4 (MANE Select); coding-DNA position 8222, C replaced by T.
Protein change: p.Pro2741Leu; replaces proline 2741 with leucine.
Molecular consequence: missense variant.
Genome position (GRCh38, 1-based): chr16:2,770,690, C>T. VCF-style: chr16-2770690-C-T. GRCh37 (hg19) VCF-style: chr16-2820691-C-T.
Other names: short protein forms P2741L.
Identifiers: ClinVar variation 4525948 (VCV004525948.1).

ClinVar aggregate classification (germline): Uncertain significance (1 of 4 stars; one submission).

gnomAD v4.1: 2 of 1,557,434 alleles (0.00013%); highest among the groups gnomAD compares: African/African-American, 0.0014%; no homozygotes.

Submission:

Women's Health and Genetics/Laboratory Corporation of America, LabCorp
Classification: Uncertain significance. Last evaluated: 2025-07-14. Review status: criteria provided, single submitter. Criteria: LabCorp Variant Classification Summary - May 2015. Collection method: clinical testing. Allele origin: germline.
Comment: Variant summary: SRRM2 c.8222C>T (p.Pro2741Leu) results in a non-conservative amino acid change in the encoded protein sequence. Algorithms developed to predict the effect of missense changes on protein structure and function are either unavailable or do not agree on the potential impact of this missense change. The variant was absent in 164726 control chromosomes. The available data on variant occurrences in the general population are insufficient to allow any conclusion about variant significance. To our knowledge, no occurrence of c.8222C>T in individuals affected with Intellectual Developmental Disorder, Autosomal Dominant 72 and no experimental evidence demonstrating its impact on protein function have been reported. No submitters have cited clinical-significance assessments for this variant to ClinVar. Based on the evidence outlined above, the variant was classified as uncertain significance.